The following is an entry in ClinVar:

NM_000291.4(PGK1):c.710G>A (p.Gly237Asp)

Gene: PGK1 (phosphoglycerate kinase 1; plus strand). Cytogenetic location: Xq21.1.
Variant type: single nucleotide variant.
Coding change: c.710G>A on transcript NM_000291.4 (MANE Select); coding-DNA position 710, G replaced by A.
Protein change: p.Gly237Asp; replaces glycine 237 with aspartic acid.
Molecular consequence: missense variant.
Genome position (GRCh38, 1-based): chrX:78,122,903, G>A. VCF-style: chrX-78122903-G-A. GRCh37 (hg19) VCF-style: chrX-77378400-G-A.
Other names: short protein forms G237D.
Identifiers: ClinVar variation 4135308 (VCV004135308.2).

ClinVar aggregate classification (germline): Uncertain significance (1 of 4 stars; one submission).

Conditions:
Inborn genetic diseases. Identifiers: MedGen C0950123, MeSH D030342.

Submission:

Ambry Genetics
Classification: Uncertain significance for Inborn genetic diseases. Last evaluated: 2025-09-19. Review status: criteria provided, single submitter. Criteria: Ambry Variant Classification Scheme 2023. Collection method: clinical testing. Allele origin: germline.
Comment: The c.710G>A (p.G237D) alteration is located in exon 7 (coding exon 7) of the PGK1 gene. This alteration results from a G to A substitution at nucleotide position 710, causing the glycine (G) at amino acid position 237 to be replaced by an aspartic acid (D). This variant was not reported in population-based cohorts in the Genome Aggregation Database (gnomAD). This amino acid position is highly conserved in available vertebrate species. This alteration is predicted to be deleterious by in silico analysis. Based on insufficient or conflicting evidence, the clinical significance of this alteration remains unclear.